The following is an entry in ClinVar:

ClinVar aggregate classification (germline): Uncertain significance (1 of 4 stars; one submission).

Allele frequency attached by ClinVar (database versions not stated): TOPMed below 0.00001; gnomAD 0.00001; gnomAD exomes 0.00001.

Submission:

Labcorp Genetics (formerly Invitae), Labcorp
Classification: Uncertain significance. Last evaluated: 2022-08-22. Review status: criteria provided, single submitter. Criteria: Invitae Variant Classification Sherloc (09022015). Collection method: clinical testing. Allele origin: germline.
Comment: This sequence change replaces glutamic acid, which is acidic and polar, with aspartic acid, which is acidic and polar, at codon 548 of the PTPN23 protein (p.Glu548Asp). This variant is present in population databases (rs771073425, gnomAD 0.007%). This variant has not been reported in the literature in individuals affected with PTPN23-related conditions. Algorithms developed to predict the effect of missense changes on protein structure and function output the following: SIFT: "Tolerated"; PolyPhen-2: "Not Available"; Align-GVGD: "Class C0". The aspartic acid amino acid residue is found in multiple mammalian species, which suggests that this missense change does not adversely affect protein function. In summary, the available evidence is currently insufficient to determine the role of this variant in disease. Therefore, it has been classified as a Variant of Uncertain Significance.

NM_015466.4(PTPN23):c.1644G>T (p.Glu548Asp)

Gene: PTPN23 (protein tyrosine phosphatase non-receptor type 23; plus strand). Cytogenetic location: 3p21.31.
Variant type: single nucleotide variant.
Coding change: c.1644G>T on transcript NM_015466.4 (MANE Select); coding-DNA position 1644, G replaced by T.
Protein change: p.Glu548Asp; replaces glutamic acid 548 with aspartic acid.
Molecular consequence: missense variant.
Genome position (GRCh38, 1-based): chr3:47,409,164, G>T. VCF-style: chr3-47409164-G-T. GRCh37 (hg19) VCF-style: chr3-47450654-G-T.
Other names: c.1266G>T, p.Glu422Asp (NM_001304482.2); short protein forms E548D, E422D.
Identifiers: ClinVar variation 2187943 (VCV002187943.1), dbSNP rs771073425, ClinGen allele CA2365792.